The following is an entry in ClinVar:

ClinVar aggregate classification (germline): Uncertain significance (1 of 4 stars; one submission).

Conditions:
Hereditary cancer-predisposing syndrome. Also called: Neoplastic Syndromes, Hereditary; Hereditary Cancer Syndrome; Hereditary neoplastic syndrome; Tumor predisposition. Identifiers: Orphanet 140162, MedGen C0027672, MeSH D009386, MONDO:0015356.

Submission:

Ambry Genetics
Classification: Uncertain significance for Hereditary cancer-predisposing syndrome. Last evaluated: 2023-05-28. Review status: criteria provided, single submitter. Criteria: Ambry Variant Classification Scheme 2023. Collection method: clinical testing. Allele origin: germline.
Comment: The p.V894M variant (also known as c.2680G>A), located in coding exon 15 of the APC gene, results from a G to A substitution at nucleotide position 2680. The valine at codon 894 is replaced by methionine, an amino acid with highly similar properties. This amino acid position is conserved. In addition, in silico predictors for this gene do not accurately predict pathogenicity. Since supporting evidence is limited at this time, the clinical significance of this alteration remains unclear.

NM_000038.6(APC):c.2680G>A (p.Val894Met)

Gene: APC (APC regulator of Wnt signaling pathway; plus strand). Cytogenetic location: 5q22.2.
Variant type: single nucleotide variant.
Coding change: c.2680G>A on transcript NM_000038.6 (MANE Select); coding-DNA position 2680, G replaced by A.
Protein change: p.Val894Met; replaces valine 894 with methionine.
Molecular consequence: missense variant. On other transcripts: non-coding transcript variant (2).
Genome position (GRCh38, 1-based): chr5:112,838,274, G>A. VCF-style: chr5-112838274-G-A. GRCh37 (hg19) VCF-style: chr5-112173971-G-A.
Other names: c.1528G>A, p.Val510Met (NM_001407471.1, NM_001407472.1); c.2293G>A, p.Val765Met (NM_001407469.1, NM_001407467.1); c.1831G>A, p.Val611Met (NM_001407470.1, NM_001354906.2); c.2680G>A, p.Val894Met (NM_001127510.3, NM_001354895.2, NM_001407450.1); c.2626G>A, p.Val876Met (NM_001127511.3); c.2734G>A, p.Val912Met (NM_001354896.2, NM_001407447.1, NM_001407448.1 and 1 more transcripts); c.2710G>A, p.Val904Met (NM_001354897.2); c.2605G>A, p.Val869Met (NM_001354898.2); and 11 more; short protein forms V611M, V768M, V884M, V876M, V904M, V912M, V510M, V793M.
Identifiers: ClinVar variation 2562364 (VCV002562364.2), dbSNP rs2149875109, ClinGen allele CA16027183.